The following is an entry in ClinVar:

NM_020686.6(ABAT):c.1232C>A (p.Ala411Asp)

Gene: ABAT (4-aminobutyrate aminotransferase; plus strand). Cytogenetic location: 16p13.2.
Variant type: single nucleotide variant.
Coding change: c.1232C>A on transcript NM_020686.6 (MANE Select); coding-DNA position 1232, C replaced by A.
Protein change: p.Ala411Asp; replaces alanine 411 with aspartic acid.
Molecular consequence: missense variant.
Genome position (GRCh38, 1-based): chr16:8,776,453, C>A. VCF-style: chr16-8776453-C-A. GRCh37 (hg19) VCF-style: chr16-8870310-C-A.
Other names: c.1034C>A, p.Ala345Asp (NM_001386612.1, NM_001386613.1); c.986C>A, p.Ala329Asp (NM_001386614.1); c.1328C>A, p.Ala443Asp (NM_001386615.1); c.1232C>A, p.Ala411Asp (NM_001386616.1, NM_000663.5, NM_001127448.2 and 6 more transcripts); c.1193C>A, p.Ala398Asp (NM_001386605.1); c.1169C>A, p.Ala390Asp (NM_001386606.1, NM_001386607.1); c.1139C>A, p.Ala380Asp (NM_001386608.1); c.1097C>A, p.Ala366Asp (NM_001386610.1, NM_001386611.1); and 1 more; short protein forms A329D, A366D, A380D, A443D, A390D, A345D, A398D, A411D.
Identifiers: ClinVar variation 1961860 (VCV001961860.3), dbSNP rs905938522, ClinGen allele CA277474298.

ClinVar aggregate classification (germline): Uncertain significance. Review status: criteria provided, multiple submitters, no conflicts (2 of 4 stars). 2 submissions from 2 submitters: Uncertain significance (2). Last evaluated 2025-06-18.

Conditions:
Inborn genetic diseases. Identifiers: MedGen C0950123, MeSH D030342.
Gamma-aminobutyric acid transaminase deficiency (GABATD). Also called: GABA aminotransaminase deficiency; GABA transaminase deficiency; Gamma aminobutyrate transaminase deficiency; 4 alpha aminobutyrate transaminase deficiency. Identifiers: Orphanet 2066, MedGen C0342708, MONDO:0013166, OMIM 613163.

gnomAD v4.1: 17 of 1,614,200 alleles (0.0011%); highest among the groups gnomAD compares: Non-Finnish European, 0.0014%; no homozygotes.

Submissions (2):

Ambry Genetics
Classification: Uncertain significance for Inborn genetic diseases. Last evaluated: 2025-06-18. Review status: criteria provided, single submitter. Criteria: Ambry Variant Classification Scheme 2023. Collection method: clinical testing. Allele origin: germline.

Labcorp Genetics (formerly Invitae), Labcorp
Classification: Uncertain significance for Gamma-aminobutyric acid transaminase deficiency. Last evaluated: 2022-06-15. Review status: criteria provided, single submitter. Criteria: Invitae Variant Classification Sherloc (09022015). Collection method: clinical testing. Allele origin: germline.
Comment: This sequence change replaces alanine, which is neutral and non-polar, with aspartic acid, which is acidic and polar, at codon 411 of the ABAT protein (p.Ala411Asp). This variant is not present in population databases (gnomAD no frequency). This variant has not been reported in the literature in individuals affected with ABAT-related conditions. Algorithms developed to predict the effect of missense changes on protein structure and function are either unavailable or do not agree on the potential impact of this missense change (SIFT: "Deleterious"; PolyPhen-2: "Benign"; Align-GVGD: "Class C0"). In summary, the available evidence is currently insufficient to determine the role of this variant in disease. Therefore, it has been classified as a Variant of Uncertain Significance.